The following is an entry in ClinVar:

ClinVar aggregate classification (germline): Uncertain significance (1 of 4 stars; one submission).

Conditions:
Regional enteritis. Also called: Enteritis, Granulomatous. Identifiers: MedGen C0678202, MeSH D003424.
Blau syndrome (BLAUS). Also called: GRANULOMATOSIS, FAMILIAL JUVENILE SYSTEMIC; GRANULOMATOSIS, FAMILIAL, BLAU TYPE; GRANULOMATOUS INFLAMMATORY ARTHRITIS, DERMATITIS, AND UVEITIS, FAMILIAL; JABS SYNDROME; ARTHROCUTANEOUVEAL GRANULOMATOSIS. Identifiers: Orphanet 90340, MedGen C5201146, MONDO:0008523, OMIM 186580.

Allele frequency attached by ClinVar (database versions not stated): TOPMed 0.00002; ExAC 0.00003; gnomAD 0.00003 and 0.00004; gnomAD exomes 0.00003 and 0.00006.
gnomAD v4.1: 87 of 1,608,512 alleles (0.0054%); highest among the groups gnomAD compares: Admixed American, 0.01%; no homozygotes.

Submission:

Labcorp Genetics (formerly Invitae), Labcorp
Classification: Uncertain significance for Regional enteritis; Blau syndrome. Last evaluated: 2026-01-23. Review status: criteria provided, single submitter. Criteria: Invitae Variant Classification Sherloc (09022015). Collection method: clinical testing. Allele origin: germline.
Comment: This sequence change replaces glutamic acid, which is acidic and polar, with lysine, which is basic and polar, at codon 667 of the NOD2 protein (p.Glu667Lys). This variant is present in population databases (rs774425599, gnomAD 0.01%). This missense change has been observed in individual(s) with clinical features of Blau syndrome (PMID: 27625029). ClinVar contains an entry for this variant (Variation ID: 1351101). Invitae Evidence Modeling of protein sequence and biophysical properties (such as structural, functional, and spatial information, amino acid conservation, physicochemical variation, residue mobility, and thermodynamic stability) has been performed for this missense variant. However, the output from this modeling did not meet the statistical confidence thresholds required to predict the impact of this variant on NOD2 protein function. In summary, the available evidence is currently insufficient to determine the role of this variant in disease. Therefore, it has been classified as a Variant of Uncertain Significance.

Literature cited by the submitters: PubMed 27625029.

NM_001370466.1(NOD2):c.1918G>A (p.Glu640Lys)

Gene: NOD2 (nucleotide binding oligomerization domain containing 2; plus strand). Cytogenetic location: 16q12.1.
Variant type: single nucleotide variant.
Coding change: c.1918G>A on transcript NM_001370466.1 (MANE Select); coding-DNA position 1918, G replaced by A.
Protein change: p.Glu640Lys; replaces glutamic acid 640 with lysine.
Molecular consequence: missense variant. On other transcripts: non-coding transcript variant (1).
Genome position (GRCh38, 1-based): chr16:50,711,910, G>A. VCF-style: chr16-50711910-G-A. GRCh37 (hg19) VCF-style: chr16-50745821-G-A.
Other names: c.1918G>A, p.Glu640Lys (NM_001293557.2); c.1999G>A, p.Glu667Lys (NM_022162.3); short protein forms E640K, E667K.
Identifiers: ClinVar variation 1351101 (VCV001351101.8), dbSNP rs774425599, ClinGen allele CA8051666.